The following is an entry in ClinVar:

ClinVar aggregate classification (germline): Uncertain significance. Review status: criteria provided, multiple submitters, no conflicts (2 of 4 stars). 2 submissions from 2 submitters: Uncertain significance (2). Last evaluated 2025-10-28.

Conditions:
Hereditary cancer-predisposing syndrome. Also called: Tumor predisposition; Neoplastic Syndromes, Hereditary; Hereditary neoplastic syndrome; Hereditary Cancer Syndrome. Identifiers: Orphanet 140162, MedGen C0027672, MeSH D009386, MONDO:0015356.
Ataxia-telangiectasia syndrome (AT). Also called: Ataxia-telangiectasia, complementation group D; AT, COMPLEMENTATION GROUP C; ATAXIA-TELANGIECTASIA, COMPLEMENTATION GROUP A; ATAXIA-TELANGIECTASIA, FRESNO VARIANT; Ataxia telangiectasia (A-T); Ataxia-telangiectasia. Identifiers: Orphanet 100, MedGen C0004135, MONDO:0008840, OMIM 208900.

Allele frequency attached by ClinVar (database versions not stated): gnomAD exomes below 0.00001.
gnomAD v4.1: 1 of 1,613,958 alleles (0.000062%); highest among the groups gnomAD compares: Non-Finnish European, 0.000085%; no homozygotes.

Submissions (2):

Ambry Genetics
Classification: Uncertain significance for Hereditary cancer-predisposing syndrome. Last evaluated: 2025-10-28. Review status: criteria provided, single submitter. Criteria: Ambry Variant Classification Scheme 2023. Collection method: clinical testing. Allele origin: germline.
Comment: The p.G449R variant (also known as c.1345G>A), located in coding exon 9 of the ATM gene, results from a G to A substitution at nucleotide position 1345. The glycine at codon 449 is replaced by arginine, an amino acid with dissimilar properties. In an assay testing ATM function, this variant showed a functionally normal result (Lee KS et al. Cell, 2025 Sep;188:5081-5099.e27). This amino acid position is highly conserved in available vertebrate species. In addition, the in silico prediction for this alteration is inconclusive. Based on the available evidence, the clinical significance of this variant remains unclear.

Labcorp Genetics (formerly Invitae), Labcorp
Classification: Uncertain significance for Ataxia-telangiectasia syndrome. Last evaluated: 2022-02-03. Review status: criteria provided, single submitter. Criteria: Invitae Variant Classification Sherloc (09022015). Collection method: clinical testing. Allele origin: germline.
Comment: In summary, the available evidence is currently insufficient to determine the role of this variant in disease. Therefore, it has been classified as a Variant of Uncertain Significance. Advanced modeling of protein sequence and biophysical properties (such as structural, functional, and spatial information, amino acid conservation, physicochemical variation, residue mobility, and thermodynamic stability) performed at Invitae indicates that this missense variant is not expected to disrupt ATM protein function. This variant has not been reported in the literature in individuals affected with ATM-related conditions. This variant is not present in population databases (gnomAD no frequency). This sequence change replaces glycine, which is neutral and non-polar, with arginine, which is basic and polar, at codon 449 of the ATM protein (p.Gly449Arg).

Literature cited by the submitters: PubMed 40580951 (cited by Ambry Genetics).

NM_000051.4(ATM):c.1345G>A (p.Gly449Arg)

Gene: ATM (ATM serine/threonine kinase; plus strand). Cytogenetic location: 11q22.3.
Variant type: single nucleotide variant.
Coding change: c.1345G>A on transcript NM_000051.4 (MANE Select); coding-DNA position 1345, G replaced by A.
Protein change: p.Gly449Arg; replaces glycine 449 with arginine.
Molecular consequence: missense variant.
Genome position (GRCh38, 1-based): chr11:108,250,810, G>A. VCF-style: chr11-108250810-G-A. GRCh37 (hg19) VCF-style: chr11-108121537-G-A.
Other names: c.1345G>A, p.Gly449Arg (NM_001351834.2); short protein forms G449R.
Identifiers: ClinVar variation 2092438 (VCV002092438.5), dbSNP rs2497242886, ClinGen allele CA382533759.